The following is an entry in ClinVar:

ClinVar aggregate classification (germline): Likely benign (1 of 4 stars; one submission).

gnomAD v4.1: 132 of 1,613,426 alleles (0.0082%); highest among the groups gnomAD compares: Admixed American, 0.035%; no homozygotes.

Submission:

CeGaT Center for Human Genetics Tuebingen
Classification: Likely benign. Last evaluated: 2026-01-01. Review status: criteria provided, single submitter. Criteria: CeGaT Center For Human Genetics Tuebingen Variant Classification Criteria Version 2. Collection method: clinical testing. Allele origin: germline. Affected: yes. Observed: 1 variant allele.
Comment: COLEC11: BP4, BP7

NM_024027.5(COLEC11):c.495C>T (p.Asp165=)

Gene: COLEC11 (collectin subfamily member 11; plus strand). Cytogenetic location: 2p25.3.
Variant type: single nucleotide variant.
Coding change: c.495C>T on transcript NM_024027.5 (MANE Select); coding-DNA position 495, C replaced by T.
Protein change: p.Asp165=; no amino-acid change (aspartic acid 165 retained).
Molecular consequence: synonymous variant. On other transcripts: non-coding transcript variant (1).
Genome position (GRCh38, 1-based): chr2:3,643,797, C>T. VCF-style: chr2-3643797-C-T. GRCh37 (hg19) VCF-style: chr2-3691387-C-T.
Other names: c.423C>T, p.Asp141= (NM_001255982.2, NM_001255983.2); c.351C>T, p.Asp117= (NM_001255984.2); c.537C>T, p.Asp179= (NM_001255985.1); c.417C>T, p.Asp139= (NM_001255986.1); c.345C>T, p.Asp115= (NM_001255987.1, NM_001255988.1); c.273C>T, p.Asp91= (NM_001255989.1); c.486C>T, p.Asp162= (NM_199235.3).
Identifiers: ClinVar variation 4820895 (VCV004820895.4).